The following is an entry in ClinVar:

ClinVar aggregate classification (germline): Uncertain significance (1 of 4 stars; one submission).

Conditions:
Hereditary spastic paraplegia 75. Also called: Spastic paraplegia 75, autosomal recessive. Identifiers: Orphanet 459056, MedGen C4225250, MONDO:0014729, OMIM 616680.

Allele frequency attached by ClinVar (database versions not stated): gnomAD exomes below 0.00001; gnomAD 0.00001; TOPMed 0.00001.
gnomAD v4.1: 6 of 1,613,052 alleles (0.00037%); highest among the groups gnomAD compares: Admixed American, 0.0033%; no homozygotes.

Submission:

Labcorp Genetics (formerly Invitae), Labcorp
Classification: Uncertain significance for Hereditary spastic paraplegia 75. Last evaluated: 2020-01-15. Review status: criteria provided, single submitter. Criteria: Invitae Variant Classification Sherloc (09022015). Collection method: clinical testing. Allele origin: germline.
Comment: In summary, the available evidence is currently insufficient to determine the role of this variant in disease. Therefore, it has been classified as a Variant of Uncertain Significance. Algorithms developed to predict the effect of missense changes on protein structure and function (SIFT, PolyPhen-2, Align-GVGD) all suggest that this variant is likely to be tolerated, but these predictions have not been confirmed by published functional studies and their clinical significance is uncertain. This variant has not been reported in the literature in individuals with MAG-related disease. This variant is not present in population databases (ExAC no frequency). This sequence change replaces alanine with valine at codon 422 of the MAG protein (p.Ala422Val). The alanine residue is highly conserved and there is a small physicochemical difference between alanine and valine.

NM_002361.4(MAG):c.1265C>T (p.Ala422Val)

Gene: MAG (myelin associated glycoprotein; plus strand). Cytogenetic location: 19q13.12.
Variant type: single nucleotide variant.
Coding change: c.1265C>T on transcript NM_002361.4 (MANE Select); coding-DNA position 1265, C replaced by T.
Protein change: p.Ala422Val; replaces alanine 422 with valine.
Molecular consequence: missense variant.
Genome position (GRCh38, 1-based): chr19:35,309,907, C>T. VCF-style: chr19-35309907-C-T. GRCh37 (hg19) VCF-style: chr19-35800810-C-T.
Other names: c.1190C>T, p.Ala397Val (NM_001199216.2); c.1265C>T, p.Ala422Val (NM_080600.3); short protein forms A397V, A422V.
Identifiers: ClinVar variation 660792 (VCV000660792.8), dbSNP rs1456256662, ClinGen allele CA405315617.
Genomic context (GRCh38, chr19:35,309,907, plus strand): 5'-CCCTCAGACCTGATTTTGCCCCTGCAGTCGCCCCTGTGCTCCTCCTGGAGTCCCACTGCG[C>T]GGCAGCCCGAGACACGGTGCAGTGCCTGTGCGTGGTGAAGTCCAACCCGGAGCCGTCCGT-3'
Protein context (NP_002352.1, residues 412-432): APVLLLESHC[Ala422Val]AARDTVQCLC